The following is an entry in ClinVar:

NM_006245.4(PPP2R5D):c.124C>A (p.Pro42Thr)

Gene: PPP2R5D (protein phosphatase 2 regulatory subunit B'delta; plus strand). Cytogenetic location: 6p21.1.
Variant type: single nucleotide variant.
Coding change: c.124C>A on transcript NM_006245.4 (MANE Select); coding-DNA position 124, C replaced by A.
Protein change: p.Pro42Thr; replaces proline 42 with threonine.
Molecular consequence: missense variant. On other transcripts: 5 prime UTR variant (1), intron variant (1).
Genome position (GRCh38, 1-based): chr6:43,006,481, C>A. VCF-style: chr6-43006481-C-A. GRCh37 (hg19) VCF-style: chr6-42974219-C-A.
Other names: c.-330C>A (NM_001270476.2); c.124C>A, p.Pro42Thr (NM_180976.3); c.28-453C>A (NM_180977.3); short protein forms P42T.
Identifiers: ClinVar variation 1392229 (VCV001392229.8), dbSNP rs766986033, ClinGen allele CA3811757.

ClinVar aggregate classification (germline): Uncertain significance (1 of 4 stars; one submission).

Allele frequency attached by ClinVar (database versions not stated): TOPMed below 0.00001; gnomAD exomes 0.00001; ExAC 0.00002.
gnomAD v4.1: 10 of 1,613,356 alleles (0.00062%); highest among the groups gnomAD compares: Non-Finnish European, 0.00085%; no homozygotes.

Submission:

Labcorp Genetics (formerly Invitae), Labcorp
Classification: Uncertain significance. Last evaluated: 2023-05-25. Review status: criteria provided, single submitter. Criteria: Invitae Variant Classification Sherloc (09022015). Collection method: clinical testing. Allele origin: germline.
Comment: This variant is present in population databases (rs766986033, gnomAD 0.002%). In summary, the available evidence is currently insufficient to determine the role of this variant in disease. Therefore, it has been classified as a Variant of Uncertain Significance. An algorithm developed to predict the effect of missense changes on protein structure and function (PolyPhen-2) suggests that this variant is likely to be tolerated. ClinVar contains an entry for this variant (Variation ID: 1392229). This variant has not been reported in the literature in individuals affected with PPP2R5D-related conditions. This sequence change replaces proline, which is neutral and non-polar, with threonine, which is neutral and polar, at codon 42 of the PPP2R5D protein (p.Pro42Thr).